The following is an entry in ClinVar:

NM_000368.5(TSC1):c.73G>C (p.Val25Leu)

Gene: TSC1 (TSC complex subunit 1; minus strand). Cytogenetic location: 9q34.13.
Variant type: single nucleotide variant.
Coding change: c.73G>C on transcript NM_000368.5 (MANE Select); coding-DNA position 73, G replaced by C.
Protein change: p.Val25Leu; replaces valine 25 with leucine.
Molecular consequence: missense variant. On other transcripts: 5 prime UTR variant (16), non-coding transcript variant (5), intron variant (2).
Genome position (GRCh38, 1-based): chr9:132,928,800, C>G on the plus strand (G>C on the coding strand, the complement: TSC1 is on the minus strand). VCF-style: chr9-132928800-C-G. GRCh37 (hg19) VCF-style: chr9-135804187-C-G.
Other names: c.73G>C, p.Val25Leu (NM_001162426.2, NM_001162427.2, NM_001406592.1 and 21 more transcripts); c.-187G>C (NM_001362177.2, NM_001406617.1, NM_001406619.1 and 3 more transcripts); c.-279G>C (NM_001406614.1); c.-416G>C (NM_001406615.1, NM_001406623.1); c.-383G>C (NM_001406616.1, NM_001406624.1); c.-805G>C (NM_001406626.1, NM_001406627.1, NM_001406628.1); c.-947G>C (NM_001406629.1); c.-1021G>C (NM_001406630.1); and 1 more; short protein forms V25L.
Identifiers: ClinVar variation 3811231 (VCV003811231.1).

ClinVar aggregate classification (germline): Uncertain significance (1 of 4 stars; one submission).

Conditions:
Hereditary cancer-predisposing syndrome. Also called: Neoplastic Syndromes, Hereditary; Hereditary Cancer Syndrome; Tumor predisposition; Hereditary neoplastic syndrome. Identifiers: Orphanet 140162, MedGen C0027672, MeSH D009386, MONDO:0015356.

Submission:

Ambry Genetics
Classification: Uncertain significance for Hereditary cancer-predisposing syndrome. Last evaluated: 2024-12-12. Review status: criteria provided, single submitter. Criteria: Ambry Variant Classification Scheme 2023. Collection method: clinical testing. Allele origin: germline.
Comment: The p.V25L variant (also known as c.73G>C), located in coding exon 1 of the TSC1 gene, results from a G to C substitution at nucleotide position 73. The valine at codon 25 is replaced by leucine, an amino acid with highly similar properties. This amino acid position is conserved. In addition, the in silico prediction for this alteration is inconclusive. Based on the available evidence, the clinical significance of this variant remains unclear.